The following is an entry in ClinVar:

NC_000002.12:g.634905T>C

Variant type: single nucleotide variant.
Genome position: GRCh38 VCF-style: chr2-634905-T-C. GRCh37 (hg19) VCF-style: chr2-634905-T-C.
Identifiers: ClinVar variation 812169 (VCV000812169.3), dbSNP rs6548238, ClinGen allele CA11105634.

ClinVar aggregate classification (germline): risk factor (0 of 4 stars; one submission).

Conditions:
Obesity. Also called: Obesity disorder. Identifiers: Orphanet 71529, MedGen C0028754, MeSH D009765, MONDO:0011122, HP:0001513.

Submission:

Department of Endocrinology, The Second Hospital of Jilin University
Classification: risk factor for Obesity. Last evaluated: 2019-12-26. Review status: no assertion criteria provided. Collection method: clinical testing. Allele origin: unknown. Inheritance: Genetic anticipation.
Comment: We found that loci near TMEM18 (rs6548238) may be associated with obesity-related indicators and may increase susceptibility of concurrent type 2 diabetes associated with obesity.